The following is an entry in ClinVar:

NM_015214.3(DDHD2):c.1386dup (p.Ile463fs)

Gene: DDHD2 (DDHD domain containing 2; plus strand). Cytogenetic location: 8p11.23.
Variant type: Duplication.
Coding change: c.1386dup on transcript NM_015214.3 (MANE Select); coding-DNA position 1386, one base duplicated (C; older notation c.1386dupC).
Protein change: p.Ile463fs; shifts the reading frame from isoleucine 463.
Molecular consequence: frameshift variant. On other transcripts: non-coding transcript variant (2).
Genome position (GRCh38, 1-based): chr8:38,251,953, C duplicated. VCF-style (leftmost placement, unchanged base first): chr8-38251952-A-AC. GRCh37 (hg19) VCF-style: chr8-38109470-A-AC.
Other names: 1-BP DUP, 138C; c.1386dup, p.Ile463fs (NM_001164232.2, NM_001362911.2, NM_001362912.2 and 1 more transcripts); c.1296dup, p.Ile433fs (NM_001362913.2); c.1386dupC (NM_015214.2); short protein forms I463fs, I433fs.
Identifiers: ClinVar variation 503722 (VCV000503722.3), dbSNP rs867389476, ClinGen allele CA175075735.

ClinVar aggregate classification (germline): Pathogenic. Review status: criteria provided, single submitter (1 of 4 stars). 2 submissions from 2 submitters: Pathogenic (1). 1 of the submissions does not count toward it. Last evaluated 2017-12-07.

Conditions:
Hereditary spastic paraplegia 54. Also called: Spastic paraplegia 54, autosomal recessive. Identifiers: Orphanet 320380, MedGen C3539495, MONDO:0014018, OMIM 615033.

Allele frequency attached by ClinVar (database versions not stated): TOPMed 0.00001; gnomAD exomes 0.00002; ESP Exome Variant Server 0.00008.

Submissions (2):

GeneDx
Classification: Pathogenic. Last evaluated: 2017-12-07. Review status: criteria provided, single submitter. Criteria: GeneDx Variant Classification (06012015). Collection method: clinical testing. Allele origin: germline. Affected: yes.
Comment: The c.1386dupC variant in the DDHD2 gene has been reported previously in association with complex hereditary spastic paraplegia in affected siblings who were compound heterozygous for the c.1386dupC variant and another disease associated variant. The c.1386dupC variant causes a frameshift starting with codon Isoleucine 463, changes this amino acid to a Histidine residue, and creates a premature Stop codon at position 6 of the new reading frame, denoted p.I463HfsX6. This variant is predicted to cause loss of normal protein function either through protein truncation or nonsense-mediated mRNA decay. The c.1386dupC variant is not observed in large population cohorts (Lek et al., 2016). We interpret c.1386dupC as a pathogenic variant.

OMIM
Classification: Pathogenic for SPASTIC PARAPLEGIA 54, AUTOSOMAL RECESSIVE. Last evaluated: 2012-12-07. Review status: no assertion criteria provided. Collection method: literature only. Allele origin: germline. Not counted in ClinVar's aggregate classification.

Literature cited by the submitters: PubMed 23176823 (cited by OMIM).